The following is an entry in ClinVar:

NM_001194998.2(CEP152):c.2421dup (p.Glu808fs)

Gene: CEP152 (centrosomal protein 152; minus strand). Cytogenetic location: 15q21.1.
Variant type: Duplication.
Coding change: c.2421dup on transcript NM_001194998.2 (MANE Select); coding-DNA position 2421, one base duplicated (A; older notation c.2421dupA).
Protein change: p.Glu808fs; shifts the reading frame from glutamic acid 808.
Molecular consequence: frameshift variant.
Genome position (GRCh38, 1-based): chr15:48,762,532, T duplicated on the plus strand (A on the coding strand, the reverse complement: CEP152 is on the minus strand); the first of 3 consecutive T bases (chr15:48,762,532-48,762,534); duplicating any one gives the same sequence. VCF-style (leftmost placement, unchanged base first): chr15-48762531-C-CT. GRCh37 (hg19) VCF-style: chr15-49054728-C-CT.
Other names: c.2421dup, p.Glu808fs (NM_014985.4); short protein forms E808fs.
Identifiers: ClinVar variation 2855102 (VCV002855102.3), dbSNP rs2504661616, ClinGen allele CA2739269453.

ClinVar aggregate classification (germline): Pathogenic (1 of 4 stars; one submission).

Submission:

Labcorp Genetics (formerly Invitae), Labcorp
Classification: Pathogenic. Last evaluated: 2023-04-11. Review status: criteria provided, single submitter. Criteria: Invitae Variant Classification Sherloc (09022015). Collection method: clinical testing. Allele origin: germline.
Comment: For these reasons, this variant has been classified as Pathogenic. This variant has not been reported in the literature in individuals affected with CEP152-related conditions. This variant is not present in population databases (gnomAD no frequency). This sequence change creates a premature translational stop signal (p.Glu808Argfs*35) in the CEP152 gene. It is expected to result in an absent or disrupted protein product. Loss-of-function variants in CEP152 are known to be pathogenic (PMID: 21131973).

Literature cited by the submitters: PubMed 21131973.